The following is an entry in ClinVar:

NM_173651.4(FSIP2):c.4459A>G (p.Ile1487Val)

Genes: FSIP2 (fibrous sheath interacting protein 2; plus strand), FSIP2-AS1 (FSIP2 antisense RNA 1; minus strand). Cytogenetic location: 2q32.1.
Variant type: single nucleotide variant.
Coding change: c.4459A>G on transcript NM_173651.4 (MANE Select); coding-DNA position 4459, A replaced by G.
Protein change: p.Ile1487Val; replaces isoleucine 1487 with valine.
Molecular consequence: missense variant.
Genome position (GRCh38, 1-based): chr2:185,791,595, A>G. VCF-style: chr2-185791595-A-G. GRCh37 (hg19) VCF-style: chr2-186656322-A-G.
Other names: c.4459A>G (NM_173651.3); c.4726A>G (NM_173651.2); short protein forms I1487V.
Identifiers: ClinVar variation 3024948 (VCV003024948.24), dbSNP rs202032936, ClinGen allele CA2016651.
Genomic context (GRCh38, chr2:185,791,595, plus strand): 5'-AATAAGAATCAGAAAATGGCTGCTGCATTGCAGTCTAATATTCAGTTAATTTCTAAAGCA[A>G]TTTTGGATTATATCCTTGCAAAATTATGTGGTGTTGACATGGATACCAGTTTTGCAAGTT-3'
Protein context (NP_775922.3, residues 1477-1497): QSNIQLISKA[Ile1487Val]LDYILAKLCG

ClinVar aggregate classification (germline): Uncertain significance. Review status: criteria provided, multiple submitters, no conflicts (2 of 4 stars). 3 submissions from 3 submitters: Uncertain significance (2). 1 of the submissions does not count toward it. Last evaluated 2025-08-11.

Conditions:
FSIP2-related disorder. Also called: FSIP2-related condition.

Allele frequency attached by ClinVar (database versions not stated): 1000 Genomes Project 30x 0.00016; 1000 Genomes Project 0.00020; TOPMed 0.00125; gnomAD 0.00187; gnomAD exomes 0.00239; ExAC 0.00309.
gnomAD v4.1: 3,584 of 1,534,168 alleles (0.23%); highest among the groups gnomAD compares: South Asian, 0.33%; 12 homozygotes.

Submissions (3):

Ambry Genetics
Classification: Uncertain significance. Last evaluated: 2025-08-11. Review status: criteria provided, single submitter. Criteria: Ambry Variant Classification Scheme 2023. Collection method: clinical testing. Allele origin: germline.

CeGaT Center for Human Genetics Tuebingen
Classification: Uncertain significance. Last evaluated: 2024-02-01. Review status: criteria provided, single submitter. Criteria: CeGaT Center For Human Genetics Tuebingen Variant Classification Criteria Version 2. Collection method: clinical testing. Allele origin: germline. Affected: yes. Observed: 1 variant allele.

PreventionGenetics, part of Exact Sciences
Classification: Benign for FSIP2-related condition. Last evaluated: 2023-01-24. Review status: no assertion criteria provided. Collection method: clinical testing. Allele origin: germline. Not counted in ClinVar's aggregate classification.
Comment: This variant is classified as benign based on ACMG/AMP sequence variant interpretation guidelines (Richards et al. 2015 PMID: 25741868, with internal and published modifications).